The following is an entry in ClinVar:

ClinVar aggregate classification (germline): Uncertain significance (1 of 4 stars; one submission).

Conditions:
Hypercholesterolemia, autosomal dominant, type B (FHCL2). Also called: Familial hypercholesterolemia 2; Familial Hypercholesterolemia Type B; APOLIPOPROTEIN B-100, FAMILIAL DEFECTIVE; APOLIPOPROTEIN B-100, FAMILIAL LIGAND-DEFECTIVE; HYPERCHOLESTEROLEMIA, FAMILIAL, DUE TO LIGAND-DEFECTIVE APOLIPOPROTEIN B; Hyperlipoproteinemia Type IIb. Identifiers: MedGen C1704417, MONDO:0007751, OMIM 144010.
Familial hypobetalipoproteinemia 1. Also called: APOB-Related Familial Hypobetalipoproteinemia; Hypobetalipoproteinemia, normotriglyceridemic; Acanthocytosis with hypobetalipoproteinemia. Identifiers: MedGen C4551990, MONDO:0014252, OMIM 615558.

Submission:

Labcorp Genetics (formerly Invitae), Labcorp
Classification: Uncertain significance for Familial hypobetalipoproteinemia 1; Hypercholesterolemia, autosomal dominant, type B. Last evaluated: 2022-09-10. Review status: criteria provided, single submitter. Criteria: Invitae Variant Classification Sherloc (09022015). Collection method: clinical testing. Allele origin: germline.
Comment: In summary, the available evidence is currently insufficient to determine the role of this variant in disease. Therefore, it has been classified as a Variant of Uncertain Significance. Advanced modeling of protein sequence and biophysical properties (such as structural, functional, and spatial information, amino acid conservation, physicochemical variation, residue mobility, and thermodynamic stability) performed at Invitae indicates that this missense variant is not expected to disrupt APOB protein function. This variant has not been reported in the literature in individuals affected with APOB-related conditions. This variant is not present in population databases (gnomAD no frequency). This sequence change replaces threonine, which is neutral and polar, with isoleucine, which is neutral and non-polar, at codon 205 of the APOB protein (p.Thr205Ile).

NM_000384.3(APOB):c.614C>T (p.Thr205Ile)

Gene: APOB (apolipoprotein B; minus strand). Cytogenetic location: 2p24.1.
Variant type: single nucleotide variant.
Coding change: c.614C>T on transcript NM_000384.3 (MANE Select); coding-DNA position 614, C replaced by T.
Protein change: p.Thr205Ile; replaces threonine 205 with isoleucine.
Molecular consequence: missense variant.
Genome position (GRCh38, 1-based): chr2:21,037,179, G>A on the plus strand (C>T on the coding strand, the complement: APOB is on the minus strand). VCF-style: chr2-21037179-G-A. GRCh37 (hg19) VCF-style: chr2-21260051-G-A.
Other names: short protein forms T205I.
Identifiers: ClinVar variation 2113713 (VCV002113713.4), dbSNP rs2465446237, ClinGen allele CA345961880.
Genomic context (GRCh38, chr2:21,037,179, plus strand): 5'-AGTGGGCTGATGCCTGTGCGGATGGGCTTGAAGCGATCACACTGCCCCAGGTCTCTTTCA[G>A]TGGATATTTCTGTTGCCACATTGCCCTTCCTCGTCTTGACGGTAAAGTGAGTGGAGCAGT-3'
Protein context (NP_000375.3, residues 195-215): RKGNVATEIS[Thr205Ile]ERDLGQCDRF